The following is an entry in ClinVar:

NM_001855.5(COL15A1):c.207C>T (p.Phe69=)

Gene: COL15A1 (collagen type XV alpha 1 chain; plus strand). Cytogenetic location: 9q22.33.
Variant type: single nucleotide variant.
Coding change: c.207C>T on transcript NM_001855.5 (MANE Select); coding-DNA position 207, C replaced by T.
Protein change: p.Phe69=; no amino-acid change (phenylalanine 69 retained).
Molecular consequence: synonymous variant.
Genome position (GRCh38, 1-based): chr9:98,985,671, C>T. VCF-style: chr9-98985671-C-T. GRCh37 (hg19) VCF-style: chr9-101747953-C-T.
Identifiers: ClinVar variation 3034011 (VCV003034011.2), dbSNP rs770970455, ClinGen allele CA5154488.

ClinVar aggregate classification (germline): Likely benign (0 of 4 stars; one submission).

Conditions:
COL15A1-related disorder. Also called: COL15A1-related condition.

Allele frequency attached by ClinVar (database versions not stated): ExAC 0.00002; gnomAD 0.00003; TOPMed 0.00003.
gnomAD v4.1: 67 of 1,614,120 alleles (0.0042%); highest among the groups gnomAD compares: Admixed American, 0.0083%; no homozygotes.

Submission:

PreventionGenetics, part of Exact Sciences
Classification: Likely benign for COL15A1-related condition. Last evaluated: 2019-06-12. Review status: no assertion criteria provided. Collection method: clinical testing. Allele origin: germline.
Comment: This variant is classified as likely benign based on ACMG/AMP sequence variant interpretation guidelines (Richards et al. 2015 PMID: 25741868, with internal and published modifications).